The following is an entry in ClinVar:

NM_153240.5(NPHP3):c.2606T>C (p.Leu869Pro)

Genes: NPHP3 (nephrocystin 3; minus strand), NPHP3-ACAD11 (NPHP3-ACAD11 readthrough (NMD candidate); minus strand). Cytogenetic location: 3q22.1.
Variant type: single nucleotide variant.
Coding change: c.2606T>C on transcript NM_153240.5 (MANE Select); coding-DNA position 2606, T replaced by C.
Protein change: p.Leu869Pro; replaces leucine 869 with proline.
Molecular consequence: missense variant. On other transcripts: non-coding transcript variant (1).
Genome position (GRCh38, 1-based): chr3:132,690,615, A>G on the plus strand (T>C on the coding strand, the complement: NPHP3 is on the minus strand). VCF-style: chr3-132690615-A-G. GRCh37 (hg19) VCF-style: chr3-132409459-A-G.
Other names: short protein forms L869P.
Identifiers: ClinVar variation 3383239 (VCV003383239.1).

ClinVar aggregate classification (germline): Uncertain significance (1 of 4 stars; one submission).

Conditions:
Nephronophthisis 3 (NPHP3). Also called: Adolescent nephronophthisis. Identifiers: Orphanet 655, MedGen C1858392, MONDO:0011456, OMIM 604387.

gnomAD v4.1: 2 of 1,613,784 alleles (0.00012%); highest among the groups gnomAD compares: Non-Finnish European, 0.00017%; no homozygotes.

Submission:

MVZ Medizinische Genetik Mainz
Classification: Uncertain significance for Nephronophthisis 3. Last evaluated: 2024-10-17. Review status: criteria provided, single submitter. Criteria: UK Practice Guidelines For Variant Classification V4 01 2020. Collection method: clinical testing. Allele origin: germline. Inheritance: Autosomal recessive inheritance. Affected: yes. Observed: 1 variant allele.
Comment: ACMG Criteria: PP3_MOD,PM2_SUP,PM3_SUP,PP4